The following is an entry in ClinVar:

NM_005732.4(RAD50):c.3143T>C (p.Met1048Thr)

Gene: RAD50 (RAD50 double strand break repair protein; plus strand). Cytogenetic location: 5q31.1.
Variant type: single nucleotide variant.
Coding change: c.3143T>C on transcript NM_005732.4 (MANE Select); coding-DNA position 3143, T replaced by C.
Protein change: p.Met1048Thr; replaces methionine 1048 with threonine.
Molecular consequence: missense variant.
Genome position (GRCh38, 1-based): chr5:132,616,109, T>C. VCF-style: chr5-132616109-T-C. GRCh37 (hg19) VCF-style: chr5-131951801-T-C.
Other names: short protein forms M1048T.
Identifiers: ClinVar variation 1378790 (VCV001378790.9), dbSNP rs1751170716, ClinGen allele CA360963872.

ClinVar aggregate classification (germline): Uncertain significance. Review status: criteria provided, multiple submitters, no conflicts (2 of 4 stars). 2 submissions from 2 submitters: Uncertain significance (2). Last evaluated 2025-01-10.

Conditions:
Hereditary cancer-predisposing syndrome. Also called: Neoplastic Syndromes, Hereditary; Hereditary Cancer Syndrome; Tumor predisposition; Hereditary neoplastic syndrome. Identifiers: Orphanet 140162, MedGen C0027672, MeSH D009386, MONDO:0015356.

Submissions (2):

Ambry Genetics
Classification: Uncertain significance for Hereditary cancer-predisposing syndrome. Last evaluated: 2025-01-10. Review status: criteria provided, single submitter. Criteria: Ambry Variant Classification Scheme 2023. Collection method: clinical testing. Allele origin: germline.
Comment: The p.M1048T variant (also known as c.3143T>C), located in coding exon 20 of the RAD50 gene, results from a T to C substitution at nucleotide position 3143. The methionine at codon 1048 is replaced by threonine, an amino acid with similar properties. This variant was identified in 1/177 individuals with pancreatic ductal adenocarcinoma undergoing multi-gene panel testing (Cremin C et al. Cancer Med, 2020 06;9:4004-4013). This amino acid position is highly conserved in available vertebrate species. In addition, the in silico prediction for this alteration is inconclusive. Since supporting evidence is limited at this time, the clinical significance of this alteration remains unclear.

Labcorp Genetics (formerly Invitae), Labcorp
Classification: Uncertain significance for Hereditary cancer-predisposing syndrome. Last evaluated: 2023-05-09. Review status: criteria provided, single submitter. Criteria: Invitae Variant Classification Sherloc (09022015). Collection method: clinical testing. Allele origin: germline.
Comment: This sequence change replaces methionine, which is neutral and non-polar, with threonine, which is neutral and polar, at codon 1048 of the RAD50 protein (p.Met1048Thr). This variant is not present in population databases (gnomAD no frequency). This variant has not been reported in the literature in individuals affected with RAD50-related conditions. ClinVar contains an entry for this variant (Variation ID: 1378790). Advanced modeling of protein sequence and biophysical properties (such as structural, functional, and spatial information, amino acid conservation, physicochemical variation, residue mobility, and thermodynamic stability) has been performed at Invitae for this missense variant, however the output from this modeling did not meet the statistical confidence thresholds required to predict the impact of this variant on RAD50 protein function. In summary, the available evidence is currently insufficient to determine the role of this variant in disease. Therefore, it has been classified as a Variant of Uncertain Significance.

Literature cited by the submitters: PubMed 32255556 (cited by Ambry Genetics).